The following is an entry in ClinVar:

ClinVar aggregate classification (germline): Uncertain significance (1 of 4 stars; one submission).

Conditions:
Hypercholesterolemia, autosomal dominant, 3 (FHCL3). Also called: Familial Hypercholesterolemia, Autosomal Dominant, 3; PCSK9-Related Familial Hypercholesterolemia, Autosomal Dominant; Familial hypercholesterolemia 3. Identifiers: MedGen C1863551, MONDO:0011369, OMIM 603776.

gnomAD v4.1: 2 of 1,613,158 alleles (0.00012%); highest among the groups gnomAD compares: Non-Finnish European, 0.00017%; no homozygotes.

Submission:

All of Us Research Program, National Institutes of Health
Classification: Uncertain significance for Hypercholesterolemia, autosomal dominant, 3. Last evaluated: 2024-02-05. Review status: criteria provided, single submitter. Criteria: ACMG Guidelines, 2015. Collection method: clinical testing. Allele origin: germline. Inheritance: Autosomal dominant inheritance. Observed: 1 variant allele, 1 heterozygote.
Comment: This missense variant replaces aspartic acid with asparagine at codon 224 of the PCSK9 protein. Computational prediction suggests that this variant may not impact protein structure and function (internally defined REVEL score threshold <= 0.5, PMID: 27666373). To our knowledge, functional studies have not been reported for this variant. This variant has not been reported in individuals affected with PCSK9-related disorders in the literature. This variant has not been identified in the general population by the Genome Aggregation Database (gnomAD). The available evidence is insufficient to determine the role of this variant in disease conclusively. Therefore, this variant is classified as a Variant of Uncertain Significance.

This study involves interpretation of variants in research participants for the purpose of population health screening. Participant phenotype was not available at the time of variant classification. Additional details can be found in publication PMID: 35346344, PMCID: PMC8962531

NM_174936.4(PCSK9):c.670G>A (p.Asp224Asn)

Gene: PCSK9 (proprotein convertase subtilisin/kexin type 9; plus strand). Cytogenetic location: 1p32.3.
Variant type: single nucleotide variant.
Coding change: c.670G>A on transcript NM_174936.4 (MANE Select); coding-DNA position 670, G replaced by A.
Protein change: p.Asp224Asn; replaces aspartic acid 224 with asparagine.
Molecular consequence: missense variant. On other transcripts: non-coding transcript variant (8).
Genome position (GRCh38, 1-based): chr1:55,052,662, G>A. VCF-style: chr1-55052662-G-A. GRCh37 (hg19) VCF-style: chr1-55518335-G-A.
Other names: c.793G>A, p.Asp265Asn (NM_001407240.1); c.670G>A, p.Asp224Asn (NM_001407241.1, NM_001407244.1, NM_001407247.1); c.673G>A, p.Asp225Asn (NM_001407242.1); c.613G>A, p.Asp205Asn (NM_001407243.1); c.478G>A, p.Asp160Asn (NM_001407245.1); c.295G>A, p.Asp99Asn (NM_001407246.1); short protein forms D160N, D205N, D224N, D225N, D265N, D99N.
Identifiers: ClinVar variation 3075433 (VCV003075433.1), dbSNP rs1644684119, ClinGen allele CA340473783.